The following is an entry in ClinVar:

NM_004995.4(MMP14):c.583G>A (p.Glu195Lys)

Gene: MMP14 (matrix metallopeptidase 14; plus strand). Cytogenetic location: 14q11.2.
Variant type: single nucleotide variant.
Coding change: c.583G>A on transcript NM_004995.4 (MANE Select); coding-DNA position 583, G replaced by A.
Protein change: p.Glu195Lys; replaces glutamic acid 195 with lysine.
Molecular consequence: missense variant.
Genome position (GRCh38, 1-based): chr14:22,842,612, G>A. VCF-style: chr14-22842612-G-A. GRCh37 (hg19) VCF-style: chr14-23311821-G-A.
Other names: short protein forms E195K.
Identifiers: ClinVar variation 3699142 (VCV003699142.2).
Genomic context (GRCh38, chr14:22,842,612, plus strand): 5'-GCCGACATCATGATCTTCTTTGCCGAGGGCTTCCATGGCGACAGCACGCCCTTCGATGGT[G>A]AGGGCGGCTTCCTGGCCCATGCCTACTTCCCAGGCCCCAACATTGGAGGAGACACCCACT-3'
Protein context (NP_004986.1, residues 185-205): FHGDSTPFDG[Glu195Lys]GGFLAHAYFP

ClinVar aggregate classification (germline): Uncertain significance (1 of 4 stars; one submission).

gnomAD v4.1: 1 of 1,614,080 alleles (0.000062%); highest among the groups gnomAD compares: Non-Finnish European, 0.000085%; no homozygotes.

Submission:

Labcorp Genetics (formerly Invitae), Labcorp
Classification: Uncertain significance. Last evaluated: 2024-12-31. Review status: criteria provided, single submitter. Criteria: Invitae Variant Classification Sherloc (09022015). Collection method: clinical testing. Allele origin: germline.
Comment: This sequence change replaces glutamic acid, which is acidic and polar, with lysine, which is basic and polar, at codon 195 of the MMP14 protein (p.Glu195Lys). This variant is not present in population databases (gnomAD no frequency). This variant has not been reported in the literature in individuals affected with MMP14-related conditions. Invitae Evidence Modeling of protein sequence and biophysical properties (such as structural, functional, and spatial information, amino acid conservation, physicochemical variation, residue mobility, and thermodynamic stability) indicates that this missense variant is not expected to disrupt MMP14 protein function with a negative predictive value of 80%. Algorithms developed to predict the effect of sequence changes on RNA splicing suggest that this variant may disrupt the consensus splice site. In summary, the available evidence is currently insufficient to determine the role of this variant in disease. Therefore, it has been classified as a Variant of Uncertain Significance.